The following is an entry in ClinVar:

ClinVar aggregate classification (germline): Pathogenic (1 of 4 stars; one submission).

Conditions:
Hypertrophic cardiomyopathy. Also called: HYPERTROPHIC MYOCARDIOPATHY. Identifiers: Orphanet 217569, MedGen C0007194, MeSH D002312, MONDO:0005045, HP:0001639.

Submission:

Labcorp Genetics (formerly Invitae), Labcorp
Classification: Pathogenic for Hypertrophic cardiomyopathy. Last evaluated: 2019-08-24. Review status: criteria provided, single submitter. Criteria: Invitae Variant Classification Sherloc (09022015). Collection method: clinical testing. Allele origin: germline.
Comment: Loss-of-function variants in MYBPC3 are known to be pathogenic (PMID: 19574547). This variant has not been reported in the literature in individuals with MYBPC3-related conditions. This variant is not present in population databases (ExAC no frequency). This sequence change creates a premature translational stop signal (p.Leu1187Argfs*2) in the MYBPC3 gene. It is expected to result in an absent or disrupted protein product. For these reasons, this variant has been classified as Pathogenic.

Literature cited by the submitters: PubMed 19574547.

NM_000256.3(MYBPC3):c.3560del (p.Leu1187fs)

Gene: MYBPC3 (myosin binding protein C3; minus strand). Cytogenetic location: 11p11.2.
Variant type: Deletion.
Coding change: c.3560del on transcript NM_000256.3 (MANE Select); coding-DNA position 3560, one base deleted (T; older notation c.3560delT).
Protein change: p.Leu1187fs; shifts the reading frame from leucine 1187.
Molecular consequence: frameshift variant.
Genome position (GRCh38, 1-based): chr11:47,332,633, A deleted on the plus strand (T on the coding strand, the reverse complement: MYBPC3 is on the minus strand). VCF-style (leftmost placement, unchanged base first): chr11-47332632-CA-C. GRCh37 (hg19) VCF-style: chr11-47354183-CA-C.
Other names: short protein forms L1187fs.
Identifiers: ClinVar variation 956403 (VCV000956403.7), dbSNP rs2095878299, ClinGen allele CA1139659386.